The following is an entry in ClinVar:

ClinVar aggregate classification (germline): Uncertain significance (1 of 4 stars; one submission).

Submission:

GeneDx
Classification: Uncertain significance. Last evaluated: 2024-06-29. Review status: criteria provided, single submitter. Criteria: GeneDx Variant Classification Process June 2021. Collection method: clinical testing. Allele origin: germline. Affected: yes.
Comment: In silico analysis supports that this missense variant has a deleterious effect on protein structure/function; Has not been previously published as pathogenic or benign to our knowledge

NM_001750.7(CAST):c.1174C>T (p.Leu392Phe)

Gene: CAST (calpastatin; plus strand). Cytogenetic location: 5q15.
Variant type: single nucleotide variant.
Coding change: c.1174C>T on transcript NM_001750.7 (MANE Select); coding-DNA position 1174, C replaced by T.
Protein change: p.Leu392Phe; replaces leucine 392 with phenylalanine.
Molecular consequence: missense variant.
Genome position (GRCh38, 1-based): chr5:96,742,730, C>T. VCF-style: chr5-96742730-C-T. GRCh37 (hg19) VCF-style: chr5-96078434-C-T.
Other names: c.1051C>T, p.Leu351Phe (NM_001042440.5, NM_001330627.2); c.1117C>T, p.Leu373Phe (NM_001042441.3); c.1108C>T, p.Leu370Phe (NM_001042442.3); c.925C>T, p.Leu309Phe (NM_001042443.3, NM_001423250.1); c.802C>T, p.Leu268Phe (NM_001042444.3, NM_001284212.4); c.820C>T, p.Leu274Phe (NM_001042445.3, NM_001423255.1, NM_001423256.1 and 3 more transcripts); c.763C>T, p.Leu255Phe (NM_001042446.3, NM_001330630.2, NM_001423260.1); c.886C>T, p.Leu296Phe (NM_001190442.2, NM_001330631.2, NM_001423251.1 and 1 more transcripts); and 8 more; short protein forms L237F, L277F, L290F, L351F, L355F, L370F, L255F, L287F.
Identifiers: ClinVar variation 3393722 (VCV003393722.1).
Genomic context (GRCh38, chr5:96,742,730, plus strand): 5'-CAAGCACTCGAGGCTCTGTCGGCTTCACTGGGCACCCGGCAAGCAGAACCTGAGCTCGAC[C>T]TCCGCTCAATTAAGGAAGTCGATGAGGTACTGACCTTAGAGTTGATTTACAAAGCTTGTT-3'
Protein context (NP_001741.4, residues 382-402): GTRQAEPELD[Leu392Phe]RSIKEVDEAK